The following is an entry in ClinVar:

ClinVar aggregate classification (germline): Pathogenic/Likely pathogenic. Review status: criteria provided, multiple submitters, no conflicts (2 of 4 stars). 2 submissions from 2 submitters: Pathogenic (1); Likely pathogenic (1). Last evaluated 2026-02-20.

Submissions (2):

GeneDx
Classification: Pathogenic. Last evaluated: 2026-02-20. Review status: criteria provided, single submitter. Criteria: GeneDx Variant Classification Process June 2021. Collection method: clinical testing. Allele origin: germline.
Comment: Nonsense variant predicted to result in protein truncation or nonsense mediated decay in a gene for which loss of function is a known mechanism of disease; Not observed at significant frequency in large population cohorts (gnomAD); This variant is associated with the following publications: (PMID: 39252126)

Genetic Services Laboratory, University of Chicago
Classification: Likely pathogenic. Last evaluated: 2024-07-25. Review status: criteria provided, single submitter. Criteria: ACMG Guidelines, 2015. Collection method: clinical testing. Allele origin: germline. Affected: yes.
Comment: DNA sequence analysis of the SMPD4 gene demonstrated a sequence change, c.1621C>T, which results in the creation of a premature stop codon at amino acid position 541, p.Arg541*. This sequence change is predicted to result in an abnormal transcript, which may be degraded, or may lead to the production of a truncated SMPD4 protein with potentially abnormal function. This sequence change has been described in the gnomAD database with a frequency of 0.001% in the South Asian subpopulation (dbSNP rs765746452). While this sequence change has not previously been described in the literature, other loss-of-function variants in the SMPD4 gene have been described in individuals with SMPD4 -related disorders (PMID: 31495489). These collective evidences indicate that this sequence change is likely pathogenic, however functional studies have not been performed to prove this conclusively.

NM_017951.5(SMPD4):c.1504C>T (p.Arg502Ter)

Gene: SMPD4 (sphingomyelin phosphodiesterase 4; minus strand). Cytogenetic location: 2q21.1.
Variant type: single nucleotide variant.
Coding change: c.1504C>T on transcript NM_017951.5 (MANE Select); coding-DNA position 1504, C replaced by T.
Protein change: p.Arg502Ter; replaces arginine 502 with a stop codon.
Molecular consequence: nonsense. On other transcripts: non-coding transcript variant (2).
Genome position (GRCh38, 1-based): chr2:130,154,432, G>A on the plus strand (C>T on the coding strand, the complement: SMPD4 is on the minus strand). VCF-style: chr2-130154432-G-A. GRCh37 (hg19) VCF-style: chr2-130912005-G-A.
Other names: c.1315C>T, p.Arg439Ter (NM_001171083.2); c.1534C>T, p.Arg512Ter (NM_017751.4); short protein forms R439*, R502*, R512*.
Identifiers: ClinVar variation 4082515 (VCV004082515.3).